The following is an entry in ClinVar:

NM_020737.3(LRFN2):c.1460A>G (p.Tyr487Cys)

Gene: LRFN2 (leucine rich repeat and fibronectin type III domain containing 2; minus strand). Cytogenetic location: 6p21.2.
Variant type: single nucleotide variant.
Coding change: c.1460A>G on transcript NM_020737.3 (MANE Select); coding-DNA position 1460, A replaced by G.
Protein change: p.Tyr487Cys; replaces tyrosine 487 with cysteine.
Molecular consequence: missense variant.
Genome position (GRCh38, 1-based): chr6:40,392,853, T>C on the plus strand (A>G on the coding strand, the complement: LRFN2 is on the minus strand). VCF-style: chr6-40392853-T-C. GRCh37 (hg19) VCF-style: chr6-40360592-T-C.
Other names: short protein forms Y487C.
Identifiers: ClinVar variation 3025510 (VCV003025510.22), dbSNP rs1762542356, ClinGen allele CA364034540.

ClinVar aggregate classification (germline): Uncertain significance (1 of 4 stars; one submission).

Submission:

CeGaT Center for Human Genetics Tuebingen
Classification: Uncertain significance. Last evaluated: 2024-01-01. Review status: criteria provided, single submitter. Criteria: CeGaT Center For Human Genetics Tuebingen Variant Classification Criteria Version 2. Collection method: clinical testing. Allele origin: germline. Affected: yes. Observed: 1 variant allele.
Comment: LRFN2: PM2, PP3